The following is an entry in ClinVar:

NM_000350.3(ABCA4):c.6479+1G>A

Gene: ABCA4 (ATP binding cassette subfamily A member 4; minus strand). Cytogenetic location: 1p22.1.
Variant type: single nucleotide variant.
Coding change: c.6479+1G>A on transcript NM_000350.3 (MANE Select); the canonical splice donor site of the intron after coding-DNA position 6479, G replaced by A.
Molecular consequence: splice donor variant.
Genome position (GRCh38, 1-based): chr1:94,000,835, C>T on the plus strand (G>A on the coding strand, the complement: ABCA4 is on the minus strand). VCF-style: chr1-94000835-C-T. GRCh37 (hg19) VCF-style: chr1-94466391-C-T.
Other names: NC_000001.10:g.94466391C>T; NP_000341.2:p.?.
Identifiers: ClinVar variation 2434728 (VCV002434728.7), dbSNP rs1436211151, ClinGen allele CA341277215.
Genomic context (GRCh38, chr1:94,000,835, plus strand): 5'-AACACAGGATCCAGGTGGATCCACAGAAGGCAACAAGGGGCACGCCCCACCATCTGCTTA[C>T]TTGGACTTGAGATGCTGAATGGTGCCCATACATCGAAAGGCGCCCTTTACCATGATGGCC-3'

ClinVar aggregate classification (germline): Pathogenic/Likely pathogenic. Review status: criteria provided, multiple submitters, no conflicts (2 of 4 stars). 4 submissions from 4 submitters: Pathogenic (2); Likely pathogenic (2). Last evaluated 2026-03-02.

Conditions:
Retinal dystrophy. Also called: Inherited retinal dystrophy. Identifiers: Orphanet 71862, MedGen C0854723, MeSH D058499, MONDO:0019118, HP:0000556.

Allele frequency attached by ClinVar (database versions not stated): gnomAD exomes below 0.00001.
gnomAD v4.1: 2 of 1,614,218 alleles (0.00012%); highest among the groups gnomAD compares: South Asian, 0.0022%; no homozygotes.

Submissions (4):

GeneDx
Classification: Likely pathogenic. Last evaluated: 2026-03-02. Review status: criteria provided, single submitter. Criteria: GeneDx Variant Classification Process June 2021. Collection method: clinical testing. Allele origin: germline.
Comment: Canonical splice site variant predicted to result in an in-frame loss of the adjacent exon in a gene for which loss of function is a known mechanism of disease; Not observed at significant frequency in large population cohorts (gnomAD); This variant is associated with the following publications: (PMID: 35120629, 25312043, 27583828, 21911583, 28327576, 38219857)

Labcorp Genetics (formerly Invitae), Labcorp
Classification: Pathogenic. Last evaluated: 2026-01-12. Review status: criteria provided, single submitter. Criteria: Invitae Variant Classification Sherloc (09022015). Collection method: clinical testing. Allele origin: germline.
Comment: This sequence change affects a donor splice site in intron 47 of the ABCA4 gene. It is expected to disrupt RNA splicing. Variants that disrupt the donor or acceptor splice site typically lead to a loss of protein function (PMID: 16199547), and loss-of-function variants in ABCA4 are known to be pathogenic (PMID: 10958761, 24938718, 25312043, 26780318). This variant is not present in population databases (gnomAD no frequency). Disruption of this splice site has been observed in individuals with ABCA4-related conditions (PMID: 21911583). ClinVar contains an entry for this variant (Variation ID: 2434728). Algorithms developed to predict the effect of sequence changes on RNA splicing suggest that this variant may disrupt the consensus splice site. For these reasons, this variant has been classified as Pathogenic.

Ophthalmic Genetics Group, Institute of Molecular and Clinical Ophthalmology Basel
Classification: Likely pathogenic for Retinal dystrophy. Last evaluated: 2024-05-27. Review status: criteria provided, single submitter. Criteria: ACMG Guidelines, 2015. Collection method: research. Allele origin: germline. Affected: yes. Observed: 3 variant alleles.
Comment: This variant was classified as Likely pathogenic based on ACMG criteria: PVS1_strong, PM2_mod and PP5_sup

Revvity Omics, Revvity
Classification: Pathogenic. Last evaluated: 2022-12-21. Review status: criteria provided, single submitter. Criteria: ACMG Guidelines, 2015. Collection method: clinical testing. Allele origin: germline.

Literature cited by the submitters: PubMed 16199547 (cited by Labcorp Genetics (formerly Invitae), Labcorp); PubMed 10958761 (cited by Labcorp Genetics (formerly Invitae), Labcorp); PubMed 24938718 (cited by Labcorp Genetics (formerly Invitae), Labcorp); PubMed 25312043 (cited by Labcorp Genetics (formerly Invitae), Labcorp); PubMed 26780318 (cited by Labcorp Genetics (formerly Invitae), Labcorp); PubMed 21911583 (cited by Labcorp Genetics (formerly Invitae), Labcorp and Ophthalmic Genetics Group, Institute of Molecular and Clinical Ophthalmology Basel); PubMed 25356976 (cited by Ophthalmic Genetics Group, Institute of Molecular and Clinical Ophthalmology Basel); PubMed 28044389 (cited by Ophthalmic Genetics Group, Institute of Molecular and Clinical Ophthalmology Basel); PubMed 40180963 (cited by Ophthalmic Genetics Group, Institute of Molecular and Clinical Ophthalmology Basel).